The following is an entry in ClinVar:

NM_001148.6(ANK2):c.11480A>G (p.Gln3827Arg)

Gene: ANK2 (ankyrin 2; plus strand). Cytogenetic location: 4q26.
Variant type: single nucleotide variant.
Coding change: c.11480A>G on transcript NM_001148.6 (MANE Select); coding-DNA position 11480, A replaced by G.
Protein change: p.Gln3827Arg; replaces glutamine 3827 with arginine.
Molecular consequence: missense variant.
Genome position (GRCh38, 1-based): chr4:113,369,675, A>G. VCF-style: chr4-113369675-A-G. GRCh37 (hg19) VCF-style: chr4-114290831-A-G.
Other names: c.5198A>G, p.Gln1733Arg (NM_001127493.3); c.5237A>G, p.Gln1746Arg (NM_001354225.2); c.5126A>G, p.Gln1709Arg (NM_001354228.2, NM_001354258.2); c.5204A>G, p.Gln1735Arg (NM_001354230.2); c.5267A>G, p.Gln1756Arg (NM_001354231.2, NM_001354242.2); c.5261A>G, p.Gln1754Arg (NM_001354232.2); c.5222A>G, p.Gln1741Arg (NM_001354235.2, NM_001354246.2, NM_001354265.2); c.5123A>G, p.Gln1708Arg (NM_001354236.2); and 35 more; short protein forms Q3827R, Q1733R, Q1664R, Q1688R, Q1720R, Q1741R, Q1647R, Q1655R.
Identifiers: ClinVar variation 457017 (VCV000457017.9), dbSNP rs1554590231, ClinGen allele CA357942803.

ClinVar aggregate classification (germline): Uncertain significance. Review status: criteria provided, multiple submitters, no conflicts (2 of 4 stars). 2 submissions from 2 submitters: Uncertain significance (2). Last evaluated 2026-01-01.

Conditions:
Long QT syndrome (LQTS). Identifiers: MedGen C0023976, MeSH D008133, MONDO:0002442. Disease mechanism: loss of function. Inheritance: Various modes of inheritance.

Allele frequency attached by ClinVar (database versions not stated): gnomAD exomes below 0.00001; gnomAD 0.00001.
gnomAD v4.1: 2 of 1,613,990 alleles (0.00012%); highest among the groups gnomAD compares: Middle Eastern, 0.016%; no homozygotes.

Submissions (2):

CeGaT Center for Human Genetics Tuebingen
Classification: Uncertain significance. Last evaluated: 2026-01-01. Review status: criteria provided, single submitter. Criteria: CeGaT Center For Human Genetics Tuebingen Variant Classification Criteria Version 2. Collection method: clinical testing. Allele origin: germline. Affected: yes. Observed: 1 variant allele.

Labcorp Genetics (formerly Invitae), Labcorp
Classification: Uncertain significance for Long QT syndrome. Last evaluated: 2022-03-09. Review status: criteria provided, single submitter. Criteria: Invitae Variant Classification Sherloc (09022015). Collection method: clinical testing. Allele origin: germline.
Comment: This sequence change replaces glutamine, which is neutral and polar, with arginine, which is basic and polar, at codon 3827 of the ANK2 protein (p.Gln3827Arg). In summary, the available evidence is currently insufficient to determine the role of this variant in disease. Therefore, it has been classified as a Variant of Uncertain Significance. Algorithms developed to predict the effect of missense changes on protein structure and function are either unavailable or do not agree on the potential impact of this missense change (SIFT: "Tolerated"; PolyPhen-2: "Probably Damaging"; Align-GVGD: "Class C0"). ClinVar contains an entry for this variant (Variation ID: 457017). This variant has not been reported in the literature in individuals affected with ANK2-related conditions. This variant is not present in population databases (gnomAD no frequency).